The following is an entry in ClinVar:

ClinVar aggregate classification (germline): Uncertain significance. Review status: criteria provided, multiple submitters, no conflicts (2 of 4 stars). 2 submissions from 2 submitters: Uncertain significance (2). Last evaluated 2025-08-03.

Conditions:
Inborn genetic diseases. Identifiers: MedGen C0950123, MeSH D030342.

Allele frequency attached by ClinVar (database versions not stated): ExAC 0.00001; gnomAD 0.00001 and 0.00002; TOPMed 0.00003.

Submissions (2):

Ambry Genetics
Classification: Uncertain significance for Inborn genetic diseases. Last evaluated: 2025-08-03. Review status: criteria provided, single submitter. Criteria: Ambry Variant Classification Scheme 2023. Collection method: clinical testing. Allele origin: germline.

Labcorp Genetics (formerly Invitae), Labcorp
Classification: Uncertain significance. Last evaluated: 2021-12-18. Review status: criteria provided, single submitter. Criteria: Invitae Variant Classification Sherloc (09022015). Collection method: clinical testing. Allele origin: germline.
Comment: This sequence change replaces asparagine, which is neutral and polar, with aspartic acid, which is acidic and polar, at codon 94 of the DGUOK protein (p.Asn94Asp). This variant is present in population databases (rs747937764, gnomAD 0.05%). This variant has not been reported in the literature in individuals affected with DGUOK-related conditions. Algorithms developed to predict the effect of missense changes on protein structure and function are either unavailable or do not agree on the potential impact of this missense change (SIFT: "Deleterious"; PolyPhen-2: "Probably Damaging"; Align-GVGD: "Class C0"). In summary, the available evidence is currently insufficient to determine the role of this variant in disease. Therefore, it has been classified as a Variant of Uncertain Significance.

NM_080916.3(DGUOK):c.280A>G (p.Asn94Asp)

Gene: DGUOK (deoxyguanosine kinase; plus strand). Cytogenetic location: 2p13.1.
Variant type: single nucleotide variant.
Coding change: c.280A>G on transcript NM_080916.3 (MANE Select); coding-DNA position 280, A replaced by G.
Protein change: p.Asn94Asp; replaces asparagine 94 with aspartic acid.
Molecular consequence: missense variant. On other transcripts: 5 prime UTR variant (4), non-coding transcript variant (5).
Genome position (GRCh38, 1-based): chr2:73,946,743, A>G. VCF-style: chr2-73946743-A-G. GRCh37 (hg19) VCF-style: chr2-74173870-A-G.
Other names: c.280A>G, p.Asn94Asp (NM_001318859.2, NM_080918.3); c.-12A>G (NM_001318860.2, NM_001318861.2, NM_001318862.2 and 1 more transcripts); c.280A>G (NM_080916.1); short protein forms N94D.
Identifiers: ClinVar variation 1378276 (VCV001378276.4), dbSNP rs747937764, ClinGen allele CA1718224.